The following is an entry in ClinVar:

ClinVar aggregate classification (germline): Pathogenic (1 of 4 stars; one submission).

Conditions:
3-hydroxy-3-methylglutaryl-CoA synthase deficiency (HMGCS2D). Also called: HMG-CoA synthase-2 deficiency; HMGCS2 DEFICIENCY; MITOCHONDRIAL HMG-CoA SYNTHASE DEFICIENCY. Identifiers: Orphanet 35701, MedGen C2751532, MONDO:0011614, OMIM 605911.

Submission:

Labcorp Genetics (formerly Invitae), Labcorp
Classification: Pathogenic for 3-hydroxy-3-methylglutaryl-CoA synthase deficiency. Last evaluated: 2026-01-16. Review status: criteria provided, single submitter. Criteria: Invitae Variant Classification Sherloc (09022015). Collection method: clinical testing. Allele origin: germline.
Comment: This sequence change affects a donor splice site in intron 4 of the HMGCS2 gene. It is expected to disrupt RNA splicing. Variants that disrupt the donor or acceptor splice site typically lead to a loss of protein function (PMID: 16199547), and loss-of-function variants in HMGCS2 are known to be pathogenic (PMID: 20346956, 23751782, 25511235). This variant is present in population databases (rs112412189, gnomAD 0.04%). Disruption of this splice site has been observed in individual(s) with clinical features of HMG-CoA synthase-2 deficiency (internal data). In at least one individual the data is consistent with being in trans (on the opposite chromosome) from a pathogenic variant. Algorithms developed to predict the effect of sequence changes on RNA splicing suggest that this variant may disrupt the consensus splice site. For these reasons, this variant has been classified as Pathogenic.

Literature cited by the submitters: PubMed 16199547; PubMed 20346956; PubMed 23751782; PubMed 25511235.

NM_005518.4(HMGCS2):c.850+1G>A

Gene: HMGCS2 (3-hydroxy-3-methylglutaryl-CoA synthase 2; minus strand). Cytogenetic location: 1p12.
Variant type: single nucleotide variant.
Coding change: c.850+1G>A on transcript NM_005518.4 (MANE Select); the canonical splice donor site of the intron after coding-DNA position 850, G replaced by A.
Molecular consequence: splice donor variant.
Genome position (GRCh38, 1-based): chr1:119,759,117, C>T on the plus strand (G>A on the coding strand, the complement: HMGCS2 is on the minus strand). VCF-style: chr1-119759117-C-T. GRCh37 (hg19) VCF-style: chr1-120301740-C-T.
Other names: c.724+1G>A (NM_001166107.1).
Identifiers: ClinVar variation 4742331 (VCV004742331.1).